The following is an entry in ClinVar:

ClinVar aggregate classification (germline): Uncertain significance (1 of 4 stars; one submission).

Allele frequency attached by ClinVar (database versions not stated): gnomAD 0.00001; gnomAD exomes 0.00001; TOPMed 0.00001; ExAC 0.00005; ESP Exome Variant Server 0.00015.
gnomAD v4.1: 24 of 1,613,766 alleles (0.0015%); highest among the groups gnomAD compares: Non-Finnish European, 0.0019%; no homozygotes.

Submission:

GeneDx
Classification: Uncertain significance. Last evaluated: 2022-03-16. Review status: criteria provided, single submitter. Criteria: GeneDx Variant Classification Process June 2021. Collection method: clinical testing. Allele origin: germline. Affected: yes.
Comment: In silico analysis supports that this missense variant does not alter protein structure/function; Has not been previously published as pathogenic or benign to our knowledge

NM_153676.4(USH1C):c.142C>G (p.Leu48Val)

Gene: USH1C (USH1 protein network component harmonin; minus strand). Cytogenetic location: 11p15.1.
Variant type: single nucleotide variant.
Coding change: c.142C>G on transcript NM_153676.4 (MANE Select); coding-DNA position 142, C replaced by G.
Protein change: p.Leu48Val; replaces leucine 48 with valine.
Molecular consequence: missense variant. On other transcripts: non-coding transcript variant (1).
Genome position (GRCh38, 1-based): chr11:17,531,505, G>C on the plus strand (C>G on the coding strand, the complement: USH1C is on the minus strand). VCF-style: chr11-17531505-G-C. GRCh37 (hg19) VCF-style: chr11-17553052-G-C.
Other names: c.142C>G, p.Leu48Val (NM_001297764.2, NM_005709.4); short protein forms L48V.
Identifiers: ClinVar variation 1706385 (VCV001706385.2), dbSNP rs374829758, ClinGen allele CA5905154.